The following is an entry in ClinVar:

ClinVar aggregate classification (germline): Uncertain significance (1 of 4 stars; one submission).

Submission:

GeneDx
Classification: Uncertain significance. Last evaluated: 2026-02-09. Review status: criteria provided, single submitter. Criteria: GeneDx Variant Classification Process June 2021. Collection method: clinical testing. Allele origin: germline.
Comment: Not observed at significant frequency in large population cohorts (gnomAD); In silico analysis supports that this missense variant has a deleterious effect on protein structure/function; Has not been previously published as pathogenic or benign to our knowledge; Located in one of the three hot-spot regions of the RYR2 gene, where the majority of pathogenic missense variants occur (PMID: 19926015); This variant is associated with the following publications: (PMID: 19926015)

NM_001035.3(RYR2):c.12203C>T (p.Ser4068Phe)

Gene: RYR2 (ryanodine receptor 2; plus strand). Cytogenetic location: 1q43.
Variant type: single nucleotide variant.
Coding change: c.12203C>T on transcript NM_001035.3 (MANE Select); coding-DNA position 12203, C replaced by T.
Protein change: p.Ser4068Phe; replaces serine 4068 with phenylalanine.
Molecular consequence: missense variant.
Genome position (GRCh38, 1-based): chr1:237,783,915, C>T. VCF-style: chr1-237783915-C-T. GRCh37 (hg19) VCF-style: chr1-237947215-C-T.
Other names: short protein forms S4068F.
Identifiers: ClinVar variation 4976390 (VCV004976390.1).